The following is an entry in ClinVar:

ClinVar aggregate classification (germline): Uncertain significance (1 of 4 stars; one submission).

Submission:

Labcorp Genetics (formerly Invitae), Labcorp
Classification: Uncertain significance. Last evaluated: 2023-04-10. Review status: criteria provided, single submitter. Criteria: Invitae Variant Classification Sherloc (09022015). Collection method: clinical testing. Allele origin: germline.
Comment: This sequence change replaces methionine, which is neutral and non-polar, with leucine, which is neutral and non-polar, at codon 495 of the RFWD3 protein (p.Met495Leu). This variant is not present in population databases (gnomAD no frequency). This variant has not been reported in the literature in individuals affected with RFWD3-related conditions. Experimental studies and prediction algorithms are not available or were not evaluated, and the functional significance of this variant is currently unknown. In summary, the available evidence is currently insufficient to determine the role of this variant in disease. Therefore, it has been classified as a Variant of Uncertain Significance.

NM_018124.4(RFWD3):c.1482_1483delinsCT (p.Met495Leu)

Gene: RFWD3 (ring finger and WD repeat domain 3; minus strand). Cytogenetic location: 16q23.1.
Variant type: Indel.
Coding change: c.1482_1483delinsCT on transcript NM_018124.4 (MANE Select); coding-DNA positions 1482 to 1483, GA replaced by CT.
Protein change: p.Met495Leu; replaces methionine 495 with leucine.
Molecular consequence: missense variant.
Genome position (GRCh38, 1-based): chr16:74,632,617-74,632,618, TC replaced by AG on the plus strand (GA replaced by CT on the coding strand, the reverse complement: RFWD3 is on the minus strand). VCF-style: chr16-74632617-TC-AG. GRCh37 (hg19) VCF-style: chr16-74666515-TC-AG.
Other names: c.648_649delinsCT, p.Met217Leu (NM_001370543.1, NM_001370537.1, NM_001370539.1 and 2 more transcripts); c.1482_1483delinsCT, p.Met495Leu (NM_001370534.1, NM_001370535.1, NM_001370536.1); c.648_649delGAinsCT, p.Met217Leu (NM_001370541.1); short protein forms M217L, M495L.
Identifiers: ClinVar variation 2854746 (VCV002854746.3), dbSNP rs2543965745, ClinGen allele CA2739266891.
Genomic context (GRCh38, chr16:74,632,617, plus strand): 5'-AGAGTAGCAAGCCTCTGAGGTAACTGCTAAACGCCAGTCCACGGATCTGTTTGCCATGCA[TC>AG]GGAATGTACTGACTGCTCTTCATGTTGGCAGTACTCAACATCTTAACACCAAAGCCTGAA-3'
Protein context (NP_060594.3, residues 485-505): ANMKSSQYIP[Met495Leu]HGKQIRGLAF